The following is an entry in ClinVar:

ClinVar aggregate classification (germline): Likely benign (1 of 4 stars; one submission).

Conditions:
ATP2B1-related disorder. Also called: ATP2B1-related condition.

gnomAD v4.1: 52 of 1,613,910 alleles (0.0032%); highest among the groups gnomAD compares: African/African-American, 0.0013%; no homozygotes.

Submission:

PreventionGenetics, part of Exact Sciences
Classification: Likely benign for ATP2B1-related condition. Last evaluated: 2026-08-23. Review status: criteria provided, single submitter. Criteria: ACMG Guidelines, 2015. Collection method: clinical testing. Allele origin: germline.
Comment: This variant is classified as likely benign based on ACMG/AMP sequence variant interpretation guidelines (Richards et al. 2015 PMID: 25741868, with internal and published modifications).

NM_001366521.1(ATP2B1):c.2017G>A (p.Gly673Ser)

Gene: ATP2B1 (ATPase plasma membrane Ca2+ transporting 1; minus strand). Cytogenetic location: 12q21.33.
Variant type: single nucleotide variant.
Coding change: c.2017G>A on transcript NM_001366521.1 (MANE Select); coding-DNA position 2017, G replaced by A.
Protein change: p.Gly673Ser; replaces glycine 673 with serine.
Molecular consequence: missense variant. On other transcripts: non-coding transcript variant (3).
Genome position (GRCh38, 1-based): chr12:89,616,852, C>T on the plus strand (G>A on the coding strand, the complement: ATP2B1 is on the minus strand). VCF-style: chr12-89616852-C-T. GRCh37 (hg19) VCF-style: chr12-90010629-C-T.
Other names: c.2017G>A, p.Gly673Ser (NM_001001323.2, NM_001366520.1, NM_001366522.1 and 12 more transcripts); c.1819G>A, p.Gly607Ser (NM_001366530.1, NM_001413053.1); c.1456G>A, p.Gly486Ser (NM_001366531.1, NM_001366532.1, NM_001413058.1 and 2 more transcripts); c.1978G>A, p.Gly660Ser (NM_001413048.1); c.1876G>A, p.Gly626Ser (NM_001413051.1, NM_001413052.1, NM_001413055.1); c.1774G>A, p.Gly592Ser (NM_001413054.1); c.1762G>A, p.Gly588Ser (NM_001413056.1); c.1564G>A, p.Gly522Ser (NM_001413057.1); short protein forms G626S, G592S, G660S, G486S, G522S, G607S, G588S, G673S.
Identifiers: ClinVar variation 4987781 (VCV004987781.1).